The following is an entry in ClinVar:

NM_001458.5(FLNC):c.4700G>T (p.Arg1567Leu)

Gene: FLNC (filamin C; plus strand). Cytogenetic location: 7q32.1.
Variant type: single nucleotide variant.
Coding change: c.4700G>T on transcript NM_001458.5 (MANE Select); coding-DNA position 4700, G replaced by T.
Protein change: p.Arg1567Leu; replaces arginine 1567 with leucine.
Molecular consequence: missense variant.
Genome position (GRCh38, 1-based): chr7:128,848,680, G>T. VCF-style: chr7-128848680-G-T. GRCh37 (hg19) VCF-style: chr7-128488734-G-T.
Other names: c.4700G>T, p.Arg1567Leu (NM_001127487.2); short protein forms R1567L.
Identifiers: ClinVar variation 430477 (VCV000430477.11), dbSNP rs2291569, ClinGen allele CA369202763.

ClinVar aggregate classification (germline): Uncertain significance. Review status: criteria provided, multiple submitters, no conflicts (2 of 4 stars). 2 submissions from 2 submitters: Uncertain significance (2). Last evaluated 2018-07-15.

Conditions:
Myofibrillar myopathy 5. Also called: FILAMINOPATHY, AUTOSOMAL DOMINANT; Filaminopathy (type). Identifiers: Orphanet 171445, MedGen C1836050, MONDO:0012289, OMIM 609524.
Distal myopathy with posterior leg and anterior hand involvement. Also called: WILLIAMS DISTAL MYOPATHY. Identifiers: Orphanet 63273, MedGen C3279722, MONDO:0013550, OMIM 614065.
Hypertrophic cardiomyopathy 26. Also called: Cardiomyopathy, familial hypertrophic, 26. Identifiers: Orphanet 75249, MedGen C4310749, MONDO:0014883, OMIM 617047.

Submissions (2):

Labcorp Genetics (formerly Invitae), Labcorp
Classification: Uncertain significance for Distal myopathy with posterior leg and anterior hand involvement; Myofibrillar myopathy 5; Hypertrophic cardiomyopathy 26. Last evaluated: 2018-07-15. Review status: criteria provided, single submitter. Criteria: Invitae Variant Classification Sherloc (09022015). Collection method: clinical testing. Allele origin: germline.
Comment: In summary, the available evidence is currently insufficient to determine the role of this variant in disease. Therefore, it has been classified as a Variant of Uncertain Significance. Algorithms developed to predict the effect of missense changes on protein structure and function are either unavailable or do not agree on the potential impact of this missense change (SIFT: "Deleterious"; PolyPhen-2: "Probably Damaging"; Align-GVGD: "Class C15"). This variant has not been reported in the literature in individuals with FLNC-related disease. ClinVar contains an entry for this variant (Variation ID: 430477). This variant is not present in population databases (ExAC no frequency). This sequence change replaces arginine with leucine at codon 1567 of the FLNC protein (p.Arg1567Leu). The arginine residue is highly conserved and there is a moderate physicochemical difference between arginine and leucine.

GeneDx
Classification: Uncertain significance. Last evaluated: 2017-05-26. Review status: criteria provided, single submitter. Criteria: GeneDx Variant Classification (06012015). Collection method: clinical testing. Allele origin: germline. Affected: yes.
Comment: A variant of uncertain significance has been identified in the FLNC gene. The R1567L variant has not been published as a pathogenic variant, nor has it been reported as a benign variant to our knowledge. The R1567L variant is not observed in large population cohorts (Lek et al., 2016; 1000 Genomes Consortium et al., 2015; Exome Variant Server). The R1567L variant is a non-conservative amino acid substitution, which is likely to impact secondary protein structure as these residues differ in polarity, charge, size and/or other properties. In silico analysis predicts this variant is probably damaging to the protein structure/function. However, this substitution occurs at a position where amino acids with similar properties to Arginine are tolerated across species. Therefore, based on the currently available information, it is unclear whether this variant is a pathogenic variant or a rare benign variant.